The following is an entry in ClinVar:

ClinVar aggregate classification (germline): Pathogenic/Likely pathogenic. Review status: criteria provided, multiple submitters, no conflicts (2 of 4 stars). 3 submissions from 3 submitters: Pathogenic (1); Likely pathogenic (2). Last evaluated 2025-06-09.

Conditions:
Hepatic veno-occlusive disease-immunodeficiency syndrome. Also called: Hepatic Veno-Occlusive Disease with Immunodeficiency. Identifiers: Orphanet 79124, MedGen C1856128, MONDO:0009338, OMIM 235550. Disease mechanism: loss of function.

Submissions (3):

Dasa
Classification: Likely pathogenic for Hepatic veno-occlusive disease-immunodeficiency syndrome. Last evaluated: 2025-06-09. Review status: criteria provided, single submitter. Criteria: DASA Assertion Criteria. Collection method: clinical testing. Allele origin: germline.
Comment: NM_080424.4(SP110):c.1116_1119del (p.Arg373Serfs*22) is a frameshift variant in SP110 predicted to alter the reading frame and introduce a premature termination codon and is predicted to result in an absent or altered protein product. Loss of function is an established disease mechanism for SP110-associated disorders. Also, this variant is rare in population databases. Based on the currently available evidence, this variant is classified as likely pathogenic.

Labcorp Genetics (formerly Invitae), Labcorp
Classification: Pathogenic for Hepatic veno-occlusive disease-immunodeficiency syndrome. Last evaluated: 2024-03-04. Review status: criteria provided, single submitter. Criteria: Invitae Variant Classification Sherloc (09022015). Collection method: clinical testing. Allele origin: germline.
Comment: This sequence change creates a premature translational stop signal (p.Arg373Serfs*22) in the SP110 gene. It is expected to result in an absent or disrupted protein product. Loss-of-function variants in SP110 are known to be pathogenic (PMID: 16648851, 22621957). This variant is not present in population databases (gnomAD no frequency). This variant has not been reported in the literature in individuals affected with SP110-related conditions. ClinVar contains an entry for this variant (Variation ID: 1071115). For these reasons, this variant has been classified as Pathogenic.

Laboratorio de Genetica e Diagnostico Molecular, Hospital Israelita Albert Einstein
Classification: Likely pathogenic for Hepatic veno-occlusive disease-immunodeficiency syndrome. Last evaluated: 2023-01-13. Review status: criteria provided, single submitter. Criteria: ACMG Guidelines, 2015. Collection method: clinical testing. Allele origin: germline. Affected: yes. Observed: 1 variant allele.
Comment: ACMG classification criteria: PVS1 very strong, PM2 moderated

Literature cited by the submitters: PubMed 16648851 (cited by Labcorp Genetics (formerly Invitae), Labcorp); PubMed 22621957 (cited by Labcorp Genetics (formerly Invitae), Labcorp).

NM_080424.4(SP110):c.1116_1119del (p.Arg373fs)

Genes: SP110 (SP110 nuclear body protein; minus strand), SP140 (SP140 nuclear body protein; plus strand). Cytogenetic location: 2q37.1.
Variant type: Deletion.
Coding change: c.1116_1119del on transcript NM_080424.4 (MANE Select); coding-DNA positions 1116 to 1119, 4 bases deleted (AAGG; older notation c.1116_1119delAAGG).
Protein change: p.Arg373fs; shifts the reading frame from arginine 373.
Molecular consequence: frameshift variant.
Genome position (GRCh38, 1-based): chr2:230,200,895-230,200,898, CCTT deleted on the plus strand (AAGG on the coding strand, the reverse complement: SP110 is on the minus strand); deleting any 4 consecutive bases within chr2:230,200,895-230,200,899 gives the same sequence; the c. name uses the placement nearest the transcript's 3' end. VCF-style (leftmost placement, unchanged base first): chr2-230200894-CCCTT-C. GRCh37 (hg19) VCF-style: chr2-231065610-CCCTT-C.
Other names: c.1134_1137del, p.Arg379fs (NM_001185015.2, NM_001378442.1, NM_001378444.1 and 2 more transcripts); c.1116_1119del, p.Arg373fs (NM_001378443.1, NM_004509.5, NM_004510.4); c.966_969del, p.Arg323fs (NM_001378447.1); short protein forms R323fs, R373fs, R379fs.
Identifiers: ClinVar variation 1071115 (VCV001071115.9), dbSNP rs2148850717, ClinGen allele CA2499215768.